The following is an entry in ClinVar:

NM_000037.4(ANK1):c.816del (p.Glu272fs)

Gene: ANK1 (ankyrin 1; minus strand). Cytogenetic location: 8p11.21.
Variant type: Deletion.
Coding change: c.816del on transcript NM_000037.4 (MANE Select); coding-DNA position 816, one base deleted (A; older notation c.816delA).
Protein change: p.Glu272fs; shifts the reading frame from glutamic acid 272.
Molecular consequence: frameshift variant.
Genome position (GRCh38, 1-based): chr8:41,723,218, T deleted on the plus strand (A on the coding strand, the reverse complement: ANK1 is on the minus strand); the first of 2 consecutive T bases (chr8:41,723,218-41,723,219); deleting either gives the same sequence. VCF-style (leftmost placement, unchanged base first): chr8-41723217-AT-A. GRCh37 (hg19) VCF-style: chr8-41580735-AT-A.
Other names: c.915del, p.Glu305fs (NM_001142446.2); c.816del, p.Glu272fs (NM_020475.3, NM_020476.3, NM_020477.3); short protein forms E272fs, E305fs.
Identifiers: ClinVar variation 3655322 (VCV003655322.2).

ClinVar aggregate classification (germline): Pathogenic (1 of 4 stars; one submission).

Submission:

Labcorp Genetics (formerly Invitae), Labcorp
Classification: Pathogenic. Last evaluated: 2024-06-02. Review status: criteria provided, single submitter. Criteria: Invitae Variant Classification Sherloc (09022015). Collection method: clinical testing. Allele origin: germline.
Comment: This sequence change creates a premature translational stop signal (p.Glu272Aspfs*2) in the ANK1 gene. It is expected to result in an absent or disrupted protein product. Loss-of-function variants in ANK1 are known to be pathogenic (PMID: 8640229). This variant is not present in population databases (gnomAD no frequency). This variant has not been reported in the literature in individuals affected with ANK1-related conditions. For these reasons, this variant has been classified as Pathogenic.

Literature cited by the submitters: PubMed 8640229.